The following is an entry in ClinVar:

NM_021800.3(DNAJC12):c.78G>A (p.Ser26=)

Gene: DNAJC12 (DnaJ heat shock protein family (Hsp40) member C12; minus strand). Cytogenetic location: 10q21.3.
Variant type: single nucleotide variant.
Coding change: c.78G>A on transcript NM_021800.3 (MANE Select); coding-DNA position 78, G replaced by A.
Protein change: p.Ser26=; no amino-acid change (serine 26 retained).
Molecular consequence: synonymous variant.
Genome position (GRCh38, 1-based): chr10:67,837,934, C>T on the plus strand (G>A on the coding strand, the complement: DNAJC12 is on the minus strand). VCF-style: chr10-67837934-C-T. GRCh37 (hg19) VCF-style: chr10-69597692-C-T.
Other names: c.78G>A, p.Ser26= (NM_201262.2).
Identifiers: ClinVar variation 1370239 (VCV001370239.6), dbSNP rs1409943805, ClinGen allele CA469977831.

ClinVar aggregate classification (germline): Uncertain significance (1 of 4 stars; one submission).

Allele frequency attached by ClinVar (database versions not stated): TOPMed below 0.00001; gnomAD 0.00001; gnomAD exomes 0.00001.
gnomAD v4.1: 9 of 1,586,206 alleles (0.00057%); highest among the groups gnomAD compares: Non-Finnish European, 0.00078%; no homozygotes.

Submission:

Labcorp Genetics (formerly Invitae), Labcorp
Classification: Uncertain significance. Last evaluated: 2021-12-03. Review status: criteria provided, single submitter. Criteria: Invitae Variant Classification Sherloc (09022015). Collection method: clinical testing. Allele origin: germline.
Comment: In summary, the available evidence is currently insufficient to determine the role of this variant in disease. Therefore, it has been classified as a Variant of Uncertain Significance. Variants that disrupt the consensus splice site are a relatively common cause of aberrant splicing (PMID: 17576681, 9536098). Algorithms developed to predict the effect of sequence changes on RNA splicing suggest that this variant may disrupt the consensus splice site. This variant has not been reported in the literature in individuals affected with DNAJC12-related conditions. This variant is present in population databases (no rsID available, gnomAD 0.007%). This sequence change affects codon 26 of the DNAJC12 mRNA. It is a 'silent' change, meaning that it does not change the encoded amino acid sequence of the DNAJC12 protein. This variant also falls at the last nucleotide of exon 1, which is part of the consensus splice site for this exon.

Literature cited by the submitters: PubMed 17576681; PubMed 9536098.